The following is an entry in ClinVar:

NM_033159.4(HYAL1):c.943dup (p.Ala315fs)

Gene: HYAL1 (hyaluronidase 1; minus strand). Cytogenetic location: 3p21.31.
Variant type: Duplication.
Coding change: c.943dup on transcript NM_033159.4 (MANE Select); coding-DNA position 943, one base duplicated (G; older notation c.943dupG).
Protein change: p.Ala315fs; shifts the reading frame from alanine 315.
Molecular consequence: frameshift variant. On other transcripts: non-coding transcript variant (1), intron variant (1).
Genome position (GRCh38, 1-based): chr3:50,301,035, C duplicated on the plus strand (G on the coding strand, the reverse complement: HYAL1 is on the minus strand); the first of 5 consecutive C bases (chr3:50,301,035-50,301,039); duplicating any one gives the same sequence. VCF-style (leftmost placement, unchanged base first): chr3-50301034-G-GC. GRCh37 (hg19) VCF-style: chr3-50338465-G-GC.
Other names: c.939dup, p.Ala315Glyfs (NM_007312.3); c.943dup, p.Ala315fs (NM_153281.2); c.397dup, p.Ala133fs (NM_153283.3); c.166dup, p.Ala56fs (NM_153285.3); c.901-235dup (NM_153282.3); short protein forms A56fs, A133fs, A315fs.
Identifiers: ClinVar variation 1947092 (VCV001947092.5), dbSNP rs1553712751, ClinGen allele CA542842102.

ClinVar aggregate classification (germline): Uncertain significance (1 of 4 stars; one submission).

Conditions:
Deficiency of hyaluronoglucosaminidase (MPS9). Also called: Mucopolysaccharidosis type 9; HYALURONIDASE DEFICIENCY; MPS IX. Identifiers: Orphanet 67041, MedGen C1291490, MONDO:0011093, OMIM 601492.

Submission:

Labcorp Genetics (formerly Invitae), Labcorp
Classification: Uncertain significance for Deficiency of hyaluronoglucosaminidase. Last evaluated: 2022-02-08. Review status: criteria provided, single submitter. Criteria: Invitae Variant Classification Sherloc (09022015). Collection method: clinical testing. Allele origin: germline.
Comment: This variant has not been reported in the literature in individuals affected with HYAL1-related conditions. This variant is not present in population databases (gnomAD no frequency). This sequence change creates a premature translational stop signal (p.Ala315Glyfs*69) in the HYAL1 gene. While this is not anticipated to result in nonsense mediated decay, it is expected to disrupt the last 121 amino acid(s) of the HYAL1 protein. Experimental studies and prediction algorithms are not available or were not evaluated, and the functional significance of this variant is currently unknown. In summary, the available evidence is currently insufficient to determine the role of this variant in disease. Therefore, it has been classified as a Variant of Uncertain Significance.